The following is an entry in ClinVar:

ClinVar aggregate classification (germline): Uncertain significance. Review status: criteria provided, multiple submitters, no conflicts (2 of 4 stars). 3 submissions from 3 submitters: Uncertain significance (3). Last evaluated 2025-11-25.

Conditions:
C3 glomerulonephritis. Also called: C3 GLOMERULOPATHY 3; Nephropathy due to CFHR5 Deficiency. Identifiers: Orphanet 329931, MedGen C4055342, MONDO:0013892, OMIM 614809.

gnomAD v4.1: 22 of 1,612,044 alleles (0.0014%); highest among the groups gnomAD compares: Admixed American, 0.035%; no homozygotes.

Submissions (3):

Labcorp Genetics (formerly Invitae), Labcorp
Classification: Uncertain significance. Last evaluated: 2025-11-25. Review status: criteria provided, single submitter. Criteria: Invitae Variant Classification Sherloc (09022015). Collection method: clinical testing. Allele origin: germline.
Comment: This sequence change replaces proline, which is neutral and non-polar, with leucine, which is neutral and non-polar, at codon 566 of the CFHR5 protein (p.Pro566Leu). This variant is present in population databases (rs781203577, gnomAD 0.04%), and has an allele count higher than expected for a pathogenic variant. This variant has not been reported in the literature in individuals affected with CFHR5-related conditions. ClinVar contains an entry for this variant (Variation ID: 3380492). An algorithm developed to predict the effect of missense changes on protein structure and function outputs the following: PolyPhen-2: "Probably Damaging". The leucine amino acid residue is found in multiple mammalian species, which suggests that this missense change does not adversely affect protein function. In summary, the available evidence is currently insufficient to determine the role of this variant in disease. Therefore, it has been classified as a Variant of Uncertain Significance.

Fulgent Genetics
Classification: Uncertain significance for C3 glomerulonephritis. Last evaluated: 2023-12-27. Review status: criteria provided, single submitter. Criteria: ACMG Guidelines, 2015. Collection method: clinical testing. Allele origin: germline.

Mayo Clinic Laboratories, Mayo Clinic
Classification: Uncertain significance. Last evaluated: 2023-08-09. Review status: criteria provided, single submitter. Criteria: ACMG Guidelines, 2015. Collection method: clinical testing. Allele origin: germline. Observed: 1 variant allele.

NM_030787.4(CFHR5):c.1697C>T (p.Pro566Leu)

Gene: CFHR5 (complement factor H related 5; plus strand). Cytogenetic location: 1q31.3.
Variant type: single nucleotide variant.
Coding change: c.1697C>T on transcript NM_030787.4 (MANE Select); coding-DNA position 1697, C replaced by T.
Protein change: p.Pro566Leu; replaces proline 566 with leucine.
Molecular consequence: missense variant.
Genome position (GRCh38, 1-based): chr1:197,008,670, C>T. VCF-style: chr1-197008670-C-T. GRCh37 (hg19) VCF-style: chr1-196977800-C-T.
Other names: p.Pro566Leu; short protein forms P566L.
Identifiers: ClinVar variation 3380492 (VCV003380492.3).
Genomic context (GRCh38, chr1:197,008,670, plus strand): 5'-AAGCGATGATATCATCACCACCATTTCGAGCAATCTGTCAGGAAGGGAAATTTGAATATC[C>T]TATATGTGAATGAAGCAAGCATAATTTTCCTGAATATATTCTTCAAACATCCATCTATGC-3'
Protein context (NP_110414.1, residues 556-569): AICQEGKFEY[Pro566Leu]ICE